The following is an entry in ClinVar:

ClinVar aggregate classification (germline): Likely pathogenic (1 of 4 stars; one submission).

Conditions:
Autism (AUTS). Also called: Autistic disorder; Autistic disorder of childhood onset. Identifiers: MedGen C0004352, MeSH D001321, MONDO:0005260, OMIM 209850, HP:0000717.

Submission:

Molecular Pathology Laboratory, Cleveland Clinic
Classification: Likely pathogenic for Autism. Last evaluated: 2018-08-01. Review status: criteria provided, single submitter. Criteria: ACMG CNV Guidelines, 2011. Collection method: clinical testing. Allele origin: paternal. Affected: yes. Observed: 4 variant alleles. Clinical features observed: Speech delay, Obstructive sleep apnea, Eustacian tube dysfunction, Macrocephaly, Dysmorphic facial features, Seizures.
Comment: Three sibs with autism.

Literature cited by the submitters: PubMed 23912948; PubMed 28039324.

GRCh37/hg19 22q11.22(chr22:22320654-22566334)x1

Genes: PPM1F (protein phosphatase, Mg2+/Mn2+ dependent 1F; minus strand), TOP3B (DNA topoisomerase III beta; minus strand). Cytogenetic location: 22q11.22.
Variant type: copy number loss.
Change: copy number 1 (one copy instead of two) of chr22:22,320,654-22,566,334 (245.7 kb, GRCh37 coordinates, 1-based), cytogenetic band 22q11.22.
Identifiers: ClinVar variation 694456 (VCV000694456.3).